The following is an entry in ClinVar:

NM_170784.3(MKKS):c.1550G>A (p.Arg517His)

Gene: MKKS (MKKS centrosomal shuttling protein; minus strand). Cytogenetic location: 20p12.2.
Variant type: single nucleotide variant.
Coding change: c.1550G>A on transcript NM_170784.3 (MANE Select); coding-DNA position 1550, G replaced by A.
Protein change: p.Arg517His; replaces arginine 517 with histidine.
Molecular consequence: missense variant. On other transcripts: non-coding transcript variant (1).
Genome position (GRCh38, 1-based): chr20:10,405,410, C>T on the plus strand (G>A on the coding strand, the complement: MKKS is on the minus strand). VCF-style: chr20-10405410-C-T. GRCh37 (hg19) VCF-style: chr20-10386058-C-T.
Other names: c.1550G>A, p.Arg517His (NM_018848.3); short protein forms R517H.
Identifiers: ClinVar variation 2079425 (VCV002079425.2), dbSNP rs200334161, ClinGen allele CA9763459.

ClinVar aggregate classification (germline): Uncertain significance. Review status: criteria provided, multiple submitters, no conflicts (2 of 4 stars). 2 submissions from 2 submitters: Uncertain significance (2). Last evaluated 2024-05-10.

Conditions:
Bardet-Biedl syndrome (BBS). Identifiers: Orphanet 110, MedGen C0752166, MONDO:0015229.
McKusick-Kaufman syndrome (MKKS). Also called: HYDROMETROCOLPOS SYNDROME; HYDROMETROCOLPOS, POSTAXIAL POLYDACTYLY, AND CONGENITAL HEART MALFORMATION. Identifiers: Orphanet 2473, MedGen C0948368, MONDO:0009367, OMIM 236700.
Bardet-Biedl syndrome 6 (BBS6). Identifiers: Orphanet 110, MedGen C1858054, MONDO:0011523, OMIM 605231.

Allele frequency attached by ClinVar (database versions not stated): gnomAD 0.00001; TOPMed 0.00001; ExAC 0.00003; 1000 Genomes Project 30x 0.00016; 1000 Genomes Project 0.00020.
gnomAD v4.1: 18 of 1,614,206 alleles (0.0011%); highest among the groups gnomAD compares: Non-Finnish European, 0.0014%; no homozygotes.

Submissions (2):

Fulgent Genetics
Classification: Uncertain significance for McKusick-Kaufman syndrome; Bardet-Biedl syndrome 6. Last evaluated: 2024-05-10. Review status: criteria provided, single submitter. Criteria: ACMG Guidelines, 2015. Collection method: clinical testing. Allele origin: germline.

Labcorp Genetics (formerly Invitae), Labcorp
Classification: Uncertain significance for McKusick-Kaufman syndrome; Bardet-Biedl syndrome. Last evaluated: 2022-06-18. Review status: criteria provided, single submitter. Criteria: Invitae Variant Classification Sherloc (09022015). Collection method: clinical testing. Allele origin: germline.
Comment: This sequence change replaces arginine, which is basic and polar, with histidine, which is basic and polar, at codon 517 of the MKKS protein (p.Arg517His). This variant is present in population databases (rs200334161, gnomAD 0.007%). This variant has not been reported in the literature in individuals affected with MKKS-related conditions. Algorithms developed to predict the effect of missense changes on protein structure and function output the following: SIFT: "Tolerated"; PolyPhen-2: "Benign"; Align-GVGD: "Class C0". The histidine amino acid residue is found in multiple mammalian species, which suggests that this missense change does not adversely affect protein function. In summary, the available evidence is currently insufficient to determine the role of this variant in disease. Therefore, it has been classified as a Variant of Uncertain Significance.